The following is an entry in ClinVar:

ClinVar aggregate classification (germline): Uncertain significance (1 of 4 stars; one submission).

Conditions:
Dyskeratosis congenita. Identifiers: Orphanet 1775, MedGen C0265965, MONDO:0015780.

Submission:

Ambry Genetics
Classification: Uncertain significance for Dyskeratosis congenita. Last evaluated: 2026-08-11. Review status: criteria provided, single submitter. Criteria: Ambry Variant Classification Scheme 2023. Collection method: clinical testing. Allele origin: germline.
Comment: The p.I495T variant (also known as c.1484T>C), located in coding exon 2 of the TERT gene, results from a T to C substitution at nucleotide position 1484. The isoleucine at codon 495 is replaced by threonine, an amino acid with similar properties. This amino acid position is conserved. In addition, the in silico prediction for this alteration is inconclusive. Based on the available evidence, the clinical significance of this variant remains unclear.

NM_198253.3(TERT):c.1484T>C (p.Ile495Thr)

Gene: TERT (telomerase reverse transcriptase; minus strand). Cytogenetic location: 5p15.33.
Variant type: single nucleotide variant.
Coding change: c.1484T>C on transcript NM_198253.3 (MANE Select); coding-DNA position 1484, T replaced by C.
Protein change: p.Ile495Thr; replaces isoleucine 495 with threonine.
Molecular consequence: missense variant. On other transcripts: non-coding transcript variant (2).
Genome position (GRCh38, 1-based): chr5:1,293,402, A>G on the plus strand (T>C on the coding strand, the complement: TERT is on the minus strand). VCF-style: chr5-1293402-A-G. GRCh37 (hg19) VCF-style: chr5-1293517-A-G.
Other names: c.1484T>C, p.Ile495Thr (NM_001193376.3); short protein forms I495T.
Identifiers: ClinVar variation 5030660 (VCV005030660.1).